The following is an entry in ClinVar:

NM_152641.4(ARID2):c.3408C>T (p.Pro1136=)

Gene: ARID2 (AT-rich interaction domain 2; plus strand). Cytogenetic location: 12q12.
Variant type: single nucleotide variant.
Coding change: c.3408C>T on transcript NM_152641.4 (MANE Select); coding-DNA position 3408, C replaced by T.
Protein change: p.Pro1136=; no amino-acid change (proline 1136 retained).
Molecular consequence: synonymous variant.
Genome position (GRCh38, 1-based): chr12:45,851,531, C>T. VCF-style: chr12-45851531-C-T. GRCh37 (hg19) VCF-style: chr12-46245314-C-T.
Other names: c.3408C>T, p.Pro1136= (NM_001347839.2).
Identifiers: ClinVar variation 4823284 (VCV004823284.4).

ClinVar aggregate classification (germline): Likely benign (1 of 4 stars; one submission).

Submission:

CeGaT Center for Human Genetics Tuebingen
Classification: Likely benign. Last evaluated: 2026-01-01. Review status: criteria provided, single submitter. Criteria: CeGaT Center For Human Genetics Tuebingen Variant Classification Criteria Version 2. Collection method: clinical testing. Allele origin: germline. Affected: yes. Observed: 1 variant allele.
Comment: ARID2: PM2:Supporting, BP4, BP7